The following is an entry in ClinVar:

ClinVar aggregate classification (germline): Uncertain significance (1 of 4 stars; one submission).

Conditions:
Inborn genetic diseases. Identifiers: MedGen C0950123, MeSH D030342.

gnomAD v4.1: 2 of 1,610,110 alleles (0.00012%); highest among the groups gnomAD compares: Non-Finnish European, 0.00017%; no homozygotes.

Submission:

Ambry Genetics
Classification: Uncertain significance for Inborn genetic diseases. Last evaluated: 2024-12-12. Review status: criteria provided, single submitter. Criteria: Ambry Variant Classification Scheme 2023. Collection method: clinical testing. Allele origin: germline.
Comment: The p.S1393N variant (also known as c.4178G>A), located in coding exon 14 of the FANCM gene, results from a G to A substitution at nucleotide position 4178. The serine at codon 1393 is replaced by asparagine, an amino acid with highly similar properties. This amino acid position is conserved. In addition, this alteration is predicted to be tolerated by in silico analysis. Based on the available evidence, the clinical significance of this variant remains unclear.

NM_020937.4(FANCM):c.4178G>A (p.Ser1393Asn)

Gene: FANCM (FA complementation group M; plus strand). Cytogenetic location: 14q21.2.
Variant type: single nucleotide variant.
Coding change: c.4178G>A on transcript NM_020937.4 (MANE Select); coding-DNA position 4178, G replaced by A.
Protein change: p.Ser1393Asn; replaces serine 1393 with asparagine.
Molecular consequence: missense variant.
Genome position (GRCh38, 1-based): chr14:45,176,932, G>A. VCF-style: chr14-45176932-G-A. GRCh37 (hg19) VCF-style: chr14-45646135-G-A.
Other names: c.4100G>A, p.Ser1367Asn (NM_001308133.2); short protein forms S1393N, S1367N.
Identifiers: ClinVar variation 3848485 (VCV003848485.1).